The following is an entry in ClinVar:

NM_058216.3(RAD51C):c.-2C>A

Gene: RAD51C (RAD51 paralog C; plus strand). Cytogenetic location: 17q22.
Variant type: single nucleotide variant.
Coding change: c.-2C>A on transcript NM_058216.3 (MANE Select); 2 bases upstream of the start codon, C replaced by A.
Molecular consequence: 5 prime UTR variant. On other transcripts: non-coding transcript variant (2).
Genome position (GRCh38, 1-based): chr17:58,692,642, C>A. VCF-style: chr17-58692642-C-A. GRCh37 (hg19) VCF-style: chr17-56770003-C-A.
Other names: c.-2C>A (NM_002876.4).
Identifiers: ClinVar variation 3429704 (VCV003429704.1).

ClinVar aggregate classification (germline): Uncertain significance (1 of 4 stars; one submission).

Conditions:
Hereditary cancer-predisposing syndrome. Also called: Neoplastic Syndromes, Hereditary; Tumor predisposition; Hereditary Cancer Syndrome; Hereditary neoplastic syndrome. Identifiers: Orphanet 140162, MedGen C0027672, MeSH D009386, MONDO:0015356.

Submission:

Ambry Genetics
Classification: Uncertain significance for Hereditary cancer-predisposing syndrome. Last evaluated: 2024-07-11. Review status: criteria provided, single submitter. Criteria: Ambry Variant Classification Scheme 2023. Collection method: clinical testing. Allele origin: germline.
Comment: The c.-2C>A variant is located in the 5' untranslated region (5&rsquo; UTR) of the RAD51C gene. This variant results from a C to A substitution 2 bases upstream from the first translated codon. This nucleotide position is well conserved in available vertebrate species. Based on the available evidence, the clinical significance of this variant remains unclear.